The following is an entry in ClinVar:

ClinVar aggregate classification (germline): Pathogenic (1 of 4 stars; one submission).

Conditions:
Tuberous sclerosis 1 (TSC1). Identifiers: Orphanet 805, MedGen C1854465, MONDO:0008612, OMIM 191100.

Submission:

Labcorp Genetics (formerly Invitae), Labcorp
Classification: Pathogenic for Tuberous sclerosis 1. Last evaluated: 2023-09-10. Review status: criteria provided, single submitter. Criteria: Invitae Variant Classification Sherloc (09022015). Collection method: clinical testing. Allele origin: germline.
Comment: This sequence change creates a premature translational stop signal (p.Glu860*) in the TSC1 gene. It is expected to result in an absent or disrupted protein product. Loss-of-function variants in TSC1 are known to be pathogenic (PMID: 10227394, 17304050). This variant is not present in population databases (gnomAD no frequency). This variant has not been reported in the literature in individuals affected with TSC1-related conditions. For these reasons, this variant has been classified as Pathogenic.

Literature cited by the submitters: PubMed 10227394; PubMed 17304050.

NM_000368.5(TSC1):c.2578G>T (p.Glu860Ter)

Gene: TSC1 (TSC complex subunit 1; minus strand). Cytogenetic location: 9q34.13.
Variant type: single nucleotide variant.
Coding change: c.2578G>T on transcript NM_000368.5 (MANE Select); coding-DNA position 2578, G replaced by T.
Protein change: p.Glu860Ter; replaces glutamic acid 860 with a stop codon.
Molecular consequence: nonsense. On other transcripts: non-coding transcript variant (5).
Genome position (GRCh38, 1-based): chr9:132,900,762, C>A on the plus strand (G>T on the coding strand, the complement: TSC1 is on the minus strand). VCF-style: chr9-132900762-C-A. GRCh37 (hg19) VCF-style: chr9-135776149-C-A.
Other names: c.2563G>T, p.Glu855Ter (NM_001406602.1, NM_001406601.1); c.2560G>T, p.Glu854Ter (NM_001406603.1, NM_001406604.1); c.2536G>T, p.Glu846Ter (NM_001406605.1, NM_001406606.1, NM_001406607.1); c.2533G>T, p.Glu845Ter (NM_001406608.1, NM_001406609.1); c.2425G>T, p.Glu809Ter (NM_001406610.1, NM_001162427.2); c.2422G>T, p.Glu808Ter (NM_001406611.1, NM_001406612.1); c.2212G>T, p.Glu738Ter (NM_001406621.1, NM_001406622.1, NM_001406623.1 and 1 more transcripts); c.2173G>T, p.Glu725Ter (NM_001406624.1); and 8 more; short protein forms E543*, E808*, E724*, E809*, E846*, E509*, E542*, E738*.
Identifiers: ClinVar variation 2759467 (VCV002759467.3), dbSNP rs1169898186, ClinGen allele CA375370025.